The following is an entry in ClinVar:

NM_001114753.3(ENG):c.1327del (p.Leu443fs)

Genes: ENG (endoglin; minus strand), LOC102723566 (uncharacterized LOC102723566; plus strand). Cytogenetic location: 9q34.11.
Variant type: Deletion.
Coding change: c.1327del on transcript NM_001114753.3 (MANE Select); coding-DNA position 1327, one base deleted (C; older notation c.1327delC).
Protein change: p.Leu443fs; shifts the reading frame from leucine 443.
Molecular consequence: frameshift variant.
Genome position (GRCh38, 1-based): chr9:127,818,817, G deleted on the plus strand (C on the coding strand, the reverse complement: ENG is on the minus strand); the first of 2 consecutive G bases (chr9:127,818,817-127,818,818); deleting either gives the same sequence. VCF-style (leftmost placement, unchanged base first): chr9-127818816-AG-A. GRCh37 (hg19) VCF-style: chr9-130581095-AG-A.
Other names: c.1327delC (NM_000118.3); c.1326delC, p.Leu443Serfs (NM_000118.4); c.781del, p.Leu261fs (NM_001278138.2); short protein forms L443fs, L261fs.
Identifiers: ClinVar variation 407118 (VCV000407118.11), dbSNP rs1060501413, ClinGen allele CA16612404.

ClinVar aggregate classification (germline): Pathogenic (1 of 4 stars; one submission).

Conditions:
Hereditary hemorrhagic telangiectasia (HHT). Also called: ORW DISEASE; Osler Weber Rendu syndrome; OSLER-RENDU-WEBER DISEASE; Osler hemorrhagic telangiectasia syndrome. Identifiers: Orphanet 774, MedGen C0039445, MONDO:0019180. Disease mechanism: loss of function.

Submission:

Labcorp Genetics (formerly Invitae), Labcorp
Classification: Pathogenic for Hereditary hemorrhagic telangiectasia. Last evaluated: 2019-03-09. Review status: criteria provided, single submitter. Criteria: Invitae Variant Classification Sherloc (09022015). Collection method: clinical testing. Allele origin: germline.
Comment: This sequence change creates a premature translational stop signal (p.Leu443Serfs*48) in the ENG gene. It is expected to result in an absent or disrupted protein product. This variant is not present in population databases (ExAC no frequency). This variant has not been reported in the literature in individuals with ENG-related conditions. Loss-of-function variants in ENG are known to be pathogenic (PMID: 15879500, 20656886, 22385575). For these reasons, this variant has been classified as Pathogenic.

Literature cited by the submitters: PubMed 15879500; PubMed 20656886; PubMed 22385575.